The following is an entry in ClinVar:

NM_022124.6(CDH23):c.5368+1G>A

Gene: CDH23 (cadherin related 23; plus strand). Cytogenetic location: 10q22.1.
Variant type: single nucleotide variant.
Coding change: c.5368+1G>A on transcript NM_022124.6 (MANE Select); the canonical splice donor site of the intron after coding-DNA position 5368, G replaced by A.
Molecular consequence: splice donor variant.
Genome position (GRCh38, 1-based): chr10:71,779,448, G>A. VCF-style: chr10-71779448-G-A. GRCh37 (hg19) VCF-style: chr10-73539205-G-A.
Identifiers: ClinVar variation 1498367 (VCV001498367.8), dbSNP rs2132930073, ClinGen allele CA377143253.

ClinVar aggregate classification (germline): Pathogenic (1 of 4 stars; one submission).

Submission:

Labcorp Genetics (formerly Invitae), Labcorp
Classification: Pathogenic. Last evaluated: 2023-10-13. Review status: criteria provided, single submitter. Criteria: Invitae Variant Classification Sherloc (09022015). Collection method: clinical testing. Allele origin: germline.
Comment: This sequence change affects a donor splice site in intron 41 of the CDH23 gene. It is expected to disrupt RNA splicing. Variants that disrupt the donor or acceptor splice site typically lead to a loss of protein function (PMID: 16199547), and loss-of-function variants in CDH23 are known to be pathogenic (PMID: 11138009, 21940737). This variant is not present in population databases (gnomAD no frequency). Disruption of this splice site has been observed in individual(s) with Usher syndrome (PMID: 27460420). ClinVar contains an entry for this variant (Variation ID: 1498367). Algorithms developed to predict the effect of sequence changes on RNA splicing suggest that this variant may disrupt the consensus splice site. For these reasons, this variant has been classified as Pathogenic.

Literature cited by the submitters: PubMed 16199547; PubMed 11138009; PubMed 21940737; PubMed 27460420.